The following is an entry in ClinVar:

NM_032730.5(RTN4IP1):c.1077G>A (p.Ala359=)

Gene: RTN4IP1 (reticulon 4 interacting protein 1; minus strand). Cytogenetic location: 6q21.
Variant type: single nucleotide variant.
Coding change: c.1077G>A on transcript NM_032730.5 (MANE Select); coding-DNA position 1077, G replaced by A.
Protein change: p.Ala359=; no amino-acid change (alanine 359 retained).
Molecular consequence: synonymous variant.
Genome position (GRCh38, 1-based): chr6:106,583,334, C>T on the plus strand (G>A on the coding strand, the complement: RTN4IP1 is on the minus strand). VCF-style: chr6-106583334-C-T. GRCh37 (hg19) VCF-style: chr6-107031209-C-T.
Other names: c.777G>A, p.Ala259= (NM_001318746.1).
Identifiers: ClinVar variation 1415781 (VCV001415781.7), dbSNP rs778714437, ClinGen allele CA3944295.

ClinVar aggregate classification (germline): Likely benign. Review status: criteria provided, multiple submitters, no conflicts (2 of 4 stars). 2 submissions from 2 submitters: Likely benign (2). Last evaluated 2025-12-10.

Conditions:
RTN4IP1-related disorder. Also called: RTN4IP1-related condition.

Allele frequency attached by ClinVar (database versions not stated): gnomAD exomes 0.00001 and 0.00002; ExAC 0.00002; gnomAD 0.00002; TOPMed 0.00002.
gnomAD v4.1: 21 of 1,612,868 alleles (0.0013%); highest among the groups gnomAD compares: East Asian, 0.0045%; no homozygotes.

Submissions (2):

PreventionGenetics, part of Exact Sciences
Classification: Likely benign for RTN4IP1-related condition. Last evaluated: 2025-12-10. Review status: criteria provided, single submitter. Criteria: ACMG Guidelines, 2015. Collection method: clinical testing. Allele origin: germline.
Comment: This variant is classified as likely benign based on ACMG/AMP sequence variant interpretation guidelines (Richards et al. 2015 PMID: 25741868, with internal and published modifications).

Labcorp Genetics (formerly Invitae), Labcorp
Classification: Likely benign. Last evaluated: 2024-03-11. Review status: criteria provided, single submitter. Criteria: Invitae Variant Classification Sherloc (09022015). Collection method: clinical testing. Allele origin: germline.